The following is an entry in ClinVar:

NM_001083961.2(WDR62):c.2746_2747del (p.Gln918fs)

Gene: WDR62 (WD repeat domain 62; plus strand). Cytogenetic location: 19q13.12.
Variant type: Microsatellite.
Coding change: c.2746_2747del on transcript NM_001083961.2 (MANE Select); coding-DNA positions 2746 to 2747, 2 bases deleted (AG; older notation c.2746_2747delAG).
Protein change: p.Gln918fs; shifts the reading frame from glutamine 918.
Molecular consequence: frameshift variant.
Genome position (GRCh38, 1-based): chr19:36,100,754-36,100,755, AG deleted; deleting any 2 consecutive bases within chr19:36,100,750-36,100,755 gives the same sequence; the c. name uses the placement nearest the transcript's 3' end. VCF-style (leftmost placement, unchanged base first): chr19-36100749-CAG-C. GRCh37 (hg19) VCF-style: chr19-36591651-CAG-C.
Other names: c.2746_2747del, p.Gln918fs (NM_173636.5); short protein forms Q918fs.
Identifiers: ClinVar variation 31042 (VCV000031042.10), dbSNP rs764201220, ClinGen allele CA278908.

ClinVar aggregate classification (germline): Pathogenic. Review status: criteria provided, multiple submitters, no conflicts (2 of 4 stars). 4 submissions from 4 submitters: Pathogenic (3). 1 of the submissions does not count toward it. Last evaluated 2023-05-23.

Conditions:
Microcephaly 2, primary, autosomal recessive, with or without cortical malformations. Also called: WDR62 Primary Microcephaly; MICROCEPHALY 2, PRIMARY, AUTOSOMAL RECESSIVE, WITH CORTICAL MALFORMATIONS. Identifiers: Orphanet 2512, MedGen C1858535, MONDO:0011435, OMIM 604317.

Submissions (4):

GeneDx
Classification: Pathogenic. Last evaluated: 2023-05-23. Review status: criteria provided, single submitter. Criteria: GeneDx Variant Classification Process June 2021. Collection method: clinical testing. Allele origin: germline. Affected: yes.
Comment: Frameshift variant predicted to result in protein truncation or nonsense mediated decay in a gene for which loss-of-function is a known mechanism of disease; Not observed at significant frequency in large population cohorts (gnomAD); This variant is associated with the following publications: (PMID: 21834044)

Revvity Omics, Revvity
Classification: Pathogenic for Microcephaly 2, primary, autosomal recessive, with or without cortical malformations. Last evaluated: 2021-01-08. Review status: criteria provided, single submitter. Criteria: ACMG Guidelines, 2015. Collection method: clinical testing. Allele origin: germline.

Laboratory for Molecular Medicine, Mass General Brigham Personalized Medicine
Classification: Pathogenic for Microcephaly 2, primary, autosomal recessive, with or without cortical malformations. Last evaluated: 2020-06-08. Review status: criteria provided, single submitter. Criteria: LMM Criteria. Collection method: clinical testing. Allele origin: germline. Inheritance: Autosomal recessive inheritance. Observed: 1 variant allele.
Comment: The p.Gln918GlyfsX18 variant WDR62 has been reported in 2 siblings with autosomal recessive microcephaly/polymicrogyria in a compound heterozygous state with another frameshift variant (Murdock 2011 PMID: 21834044). It was also identified in 1/113224 of European chromosomes by gnomAD. This variant is predicted to cause a frameshift, which alters the proteinâ€™s amino acid sequence beginning at position 918 and leads to a premature termination codon 18 amino acids downstream. This alteration is then predicted to lead to a truncated or absent protein. Loss of function of the WDR62 gene is strongly associated with autosomal recessive primary microcephaly/polymicrogyria. In summary, this variant meets criteria to be classified as pathogenic for autosomal recessive primary microcephaly. ACMG/AMP Criteria applied: PM2, PVS1, PP1, PM3.

OMIM
Classification: Pathogenic for MICROCEPHALY 2, PRIMARY, AUTOSOMAL RECESSIVE, WITH CORTICAL MALFORMATIONS. Last evaluated: 2011-09-01. Review status: no assertion criteria provided. Collection method: literature only. Allele origin: germline. Not counted in ClinVar's aggregate classification.

Literature cited by the submitters: PubMed 21834044 (cited by Laboratory for Molecular Medicine, Mass General Brigham Personalized Medicine and OMIM).